The following is an entry in ClinVar:

NM_020750.3(XPO5):c.933G>T (p.Leu311Phe)

Genes: POLR1C (RNA polymerase I and III subunit C; plus strand), XPO5 (exportin 5; minus strand). Cytogenetic location: 6p21.1.
Variant type: single nucleotide variant.
Coding change: c.933G>T on transcript NM_020750.3 (MANE Select); coding-DNA position 933, G replaced by T.
Protein change: p.Leu311Phe; replaces leucine 311 with phenylalanine.
Molecular consequence: missense variant. On other transcripts: non-coding transcript variant (1), 3 prime UTR variant (1).
Genome position (GRCh38, 1-based): chr6:43,562,325, C>A on the plus strand (G>T on the coding strand, the complement: XPO5 is on the minus strand). VCF-style: chr6-43562325-C-A. GRCh37 (hg19) VCF-style: chr6-43530062-C-A.
Other names: c.*968C>A (NM_001363658.2); short protein forms L311F.
Identifiers: ClinVar variation 3710173 (VCV003710173.2).
Genomic context (GRCh38, chr6:43,562,325, plus strand): 5'-ATTGCCCAGCGCACACAACACCTGACAGAGCCTCTTCAGAAAGACGTAGTGTTTTTCTAC[C>A]AAACCTCCTCCATCAGCAGTCCTGTAAGATGAGAATTCCTTATATCACCAACAAAATTAA-3'
Protein context (NP_065801.1, residues 301-321): SAAQTADGGG[Leu311Phe]VEKHYVFLKR

ClinVar aggregate classification (germline): Uncertain significance (1 of 4 stars; one submission).

gnomAD v4.1: 5 of 1,608,526 alleles (0.00031%); highest among the groups gnomAD compares: Non-Finnish European, 0.00042%; no homozygotes.

Submission:

Labcorp Genetics (formerly Invitae), Labcorp
Classification: Uncertain significance. Last evaluated: 2024-12-10. Review status: criteria provided, single submitter. Criteria: Invitae Variant Classification Sherloc (09022015). Collection method: clinical testing. Allele origin: germline.
Comment: This sequence change replaces leucine, which is neutral and non-polar, with phenylalanine, which is neutral and non-polar, at codon 311 of the XPO5 protein (p.Leu311Phe). The frequency data for this variant in the population databases is considered unreliable, as metrics indicate poor data quality at this position in the gnomAD database. This variant has not been reported in the literature in individuals affected with XPO5-related conditions. An algorithm developed to predict the effect of missense changes on protein structure and function (PolyPhen-2) suggests that this variant is likely to be disruptive. In summary, the available evidence is currently insufficient to determine the role of this variant in disease. Therefore, it has been classified as a Variant of Uncertain Significance.